The following is an entry in ClinVar:

NM_000320.3(QDPR):c.*682A>G

Gene: QDPR (quinoid dihydropteridine reductase; minus strand). Cytogenetic location: 4p15.32.
Variant type: single nucleotide variant.
Coding change: c.*682A>G on transcript NM_000320.3 (MANE Select); 682 bases downstream of the stop codon, A replaced by G.
Molecular consequence: 3 prime UTR variant. On other transcripts: non-coding transcript variant (1).
Genome position (GRCh38, 1-based): chr4:17,486,449, T>C on the plus strand (A>G on the coding strand, the complement: QDPR is on the minus strand). VCF-style: chr4-17486449-T-C. GRCh37 (hg19) VCF-style: chr4-17488072-T-C.
Other names: c.*682A>G (NM_001306140.2).
Identifiers: ClinVar variation 348138 (VCV000348138.6), dbSNP rs699459, ClinGen allele CA10618322.

ClinVar aggregate classification (germline): Benign. Review status: criteria provided, multiple submitters, no conflicts (2 of 4 stars). 2 submissions from 2 submitters: Benign (2). Last evaluated 2018-01-13.

Conditions:
Dihydropteridine reductase deficiency (HPABH4C). Also called: HYPERPHENYLALANINEMIA, TETRAHYDROBIOPTERIN-DEFICIENT, DUE TO DHPR DEFICIENCY; BH4-Deficient Hyperphenylalaninemia C; Hyperphenylalaninemia due to dihydropteridine reductase deficiency; Hyperphenylalaninemia, BH-4-deficient, C; Phenylketonuria type 2; DHPR DEFICIENCY. Identifiers: Orphanet 226, Orphanet 238583, MedGen C0268465, MONDO:0009862, OMIM 261630.

Allele frequency attached by ClinVar (database versions not stated): 1000 Genomes Project 30x 0.64850; TOPMed 0.62940; gnomAD exomes 0.50971; 1000 Genomes Project 0.65954.
gnomAD v4.1: 98,823 of 151,892 alleles (65%); highest among the groups gnomAD compares: East Asian, 76%; 32,510 homozygotes.

Submissions (2):

Illumina Laboratory Services, Illumina
Classification: Benign for Dihydropteridine reductase deficiency. Last evaluated: 2018-01-13. Review status: criteria provided, single submitter. Criteria: ICSL Variant Classification Criteria 13 December 2019. Collection method: clinical testing. Allele origin: germline.
Comment: This variant was observed in the ICSL laboratory as part of a predisposition screen in an ostensibly healthy population. It had not been previously curated by ICSL or reported in the Human Gene Mutation Database (HGMD: prior to June 1st, 2018), and was therefore a candidate for classification through an automated scoring system. Utilizing variant allele frequency, disease prevalence and penetrance estimates, and inheritance mode, an automated score was calculated to assess if this variant is too frequent to cause the disease. Based on the score and internal cut-off values, a variant classified as benign is not then subjected to further curation. The score for this variant resulted in a classification of benign for this disease.

Breakthrough Genomics
Classification: Benign. Review status: criteria provided, single submitter. Criteria: ACMG Guidelines, 2015. Collection method: not provided. Allele origin: germline. Inheritance: Autosomal recessive inheritance. Affected: yes.